The following is an entry in ClinVar:

NM_001148.6(ANK2):c.10264G>T (p.Glu3422Ter)

Gene: ANK2 (ankyrin 2; plus strand). Cytogenetic location: 4q26.
Variant type: single nucleotide variant.
Coding change: c.10264G>T on transcript NM_001148.6 (MANE Select); coding-DNA position 10264, G replaced by T.
Protein change: p.Glu3422Ter; replaces glutamic acid 3422 with a stop codon.
Molecular consequence: nonsense. On other transcripts: intron variant (68).
Genome position (GRCh38, 1-based): chr4:113,358,882, G>T. VCF-style: chr4-113358882-G-T. GRCh37 (hg19) VCF-style: chr4-114280038-G-T.
Other names: c.10030G>T, p.Glu3344Ter (NM_001386142.1); c.6664G>T, p.Glu2222Ter (NM_001386166.1); c.10405G>T, p.Glu3469Ter (NM_001386174.1); c.10381G>T, p.Glu3461Ter (NM_001386175.1); c.4412-1941G>T (NM_001386186.2, NM_001386148.2); c.4214-1941G>T (NM_001354269.3); c.4292-1941G>T (NM_001386187.2); c.4253-1941G>T (NM_001386147.1); and 35 more; short protein forms E3461*, E2222*, E3344*, E3422*, E3469*.
Identifiers: ClinVar variation 4097147 (VCV004097147.1).

ClinVar aggregate classification (germline): Pathogenic (1 of 4 stars; one submission).

Conditions:
Cardiovascular phenotype. Identifiers: MedGen CN230736.

Submission:

Ambry Genetics
Classification: Pathogenic for Cardiovascular phenotype. Last evaluated: 2025-07-14. Review status: criteria provided, single submitter. Criteria: Ambry Variant Classification Scheme 2023. Collection method: clinical testing. Allele origin: germline.
Comment: The c.10264G>T (p.E3422*) alteration, located in exon 38 (coding exon 38) of the ANK2 gene, consists of a G to T substitution at nucleotide position 10264. This changes the amino acid from a glutamic acid (E) to a stop codon at amino acid position 3422. This alteration is expected to result in loss of function by premature protein truncation or nonsense-mediated mRNA decay. This variant was not reported in population-based cohorts in the Genome Aggregation Database (gnomAD). Based on the available evidence, this alteration is classified as pathogenic.